The following is an entry in ClinVar:

ClinVar aggregate classification (germline): Uncertain significance (1 of 4 stars; one submission).

Submission:

Labcorp Genetics (formerly Invitae), Labcorp
Classification: Uncertain significance. Last evaluated: 2025-11-21. Review status: criteria provided, single submitter. Criteria: Invitae Variant Classification Sherloc (09022015). Collection method: clinical testing. Allele origin: germline.
Comment: This sequence change replaces aspartic acid, which is acidic and polar, with asparagine, which is neutral and polar, at codon 55 of the FGF9 protein (p.Asp55Asn). This variant is not present in population databases (gnomAD no frequency). This variant has not been reported in the literature in individuals affected with FGF9-related conditions. An algorithm developed to predict the effect of missense changes on protein structure and function (PolyPhen-2) suggests that this variant is likely to be tolerated. In summary, the available evidence is currently insufficient to determine the role of this variant in disease. Therefore, it has been classified as a Variant of Uncertain Significance.

NM_002010.3(FGF9):c.163G>A (p.Asp55Asn)

Gene: FGF9 (fibroblast growth factor 9; plus strand). Cytogenetic location: 13q12.11.
Variant type: single nucleotide variant.
Coding change: c.163G>A on transcript NM_002010.3 (MANE Select); coding-DNA position 163, G replaced by A.
Protein change: p.Asp55Asn; replaces aspartic acid 55 with asparagine.
Molecular consequence: missense variant.
Genome position (GRCh38, 1-based): chr13:21,672,075, G>A. VCF-style: chr13-21672075-G-A. GRCh37 (hg19) VCF-style: chr13-22246214-G-A.
Other names: short protein forms D55N.
Identifiers: ClinVar variation 4731636 (VCV004731636.1).